The following is an entry in ClinVar:

ClinVar aggregate classification (germline): Likely benign. Review status: criteria provided, multiple submitters, no conflicts (2 of 4 stars). 3 submissions from 3 submitters: Likely benign (2). 1 of the submissions does not count toward it. Last evaluated 2026-02-01.

Conditions:
NR2E3-related disorder. Also called: NR2E3-related condition; NR2E3-related disorders. Identifiers: MedGen CN239387.

Allele frequency attached by ClinVar (database versions not stated): ExAC 0.00004; gnomAD exomes 0.00005.

Submissions (3):

Labcorp Genetics (formerly Invitae), Labcorp
Classification: Likely benign. Last evaluated: 2026-02-01. Review status: criteria provided, single submitter. Criteria: Invitae Variant Classification Sherloc (09022015). Collection method: clinical testing. Allele origin: germline.

Blueprint Genetics
Classification: Likely benign. Last evaluated: 2022-12-01. Review status: criteria provided, single submitter. Criteria: ACMG Guidelines, 2015. Collection method: clinical testing. Allele origin: germline.

PreventionGenetics, part of Exact Sciences
Classification: Likely benign for NR2E3-related condition. Last evaluated: 2021-08-06. Review status: no assertion criteria provided. Collection method: clinical testing. Allele origin: germline. Not counted in ClinVar's aggregate classification.
Comment: This variant is classified as likely benign based on ACMG/AMP sequence variant interpretation guidelines (Richards et al. 2015 PMID: 25741868, with internal and published modifications).

NM_014249.4(NR2E3):c.204C>T (p.Ser68=)

Gene: NR2E3 (nuclear receptor subfamily 2 group E member 3; plus strand). Cytogenetic location: 15q23.
Variant type: single nucleotide variant.
Coding change: c.204C>T on transcript NM_014249.4 (MANE Select); coding-DNA position 204, C replaced by T.
Protein change: p.Ser68=; no amino-acid change (serine 68 retained).
Molecular consequence: synonymous variant.
Genome position (GRCh38, 1-based): chr15:71,811,568, C>T. VCF-style: chr15-71811568-C-T. GRCh37 (hg19) VCF-style: chr15-72103908-C-T.
Other names: c.204C>T, p.Ser68= (NM_016346.4); c.204C>T (NM_014249.3).
Identifiers: ClinVar variation 1100388 (VCV001100388.12), dbSNP rs751236605, ClinGen allele CA7640241.